The following is an entry in ClinVar:

ClinVar aggregate classification (germline): Uncertain significance. Review status: criteria provided, multiple submitters, no conflicts (2 of 4 stars). 3 submissions from 3 submitters: Uncertain significance (3). Last evaluated 2025-05-06.

Conditions:
Hereditary cancer-predisposing syndrome. Also called: Tumor predisposition; Hereditary neoplastic syndrome; Neoplastic Syndromes, Hereditary; Hereditary Cancer Syndrome. Identifiers: Orphanet 140162, MedGen C0027672, MeSH D009386, MONDO:0015356.
Neuroblastoma, susceptibility to, 3. Also called: ALK-Related Neuroblastic Tumor Susceptibility. Identifiers: Orphanet 635, MedGen C2751681, MONDO:0013083, OMIM 613014.

gnomAD v4.1: 13 of 1,580,280 alleles (0.00082%); highest among the groups gnomAD compares: Non-Finnish European, 0.001%; no homozygotes.

Submissions (3):

Ambry Genetics
Classification: Uncertain significance for Hereditary cancer-predisposing syndrome. Last evaluated: 2025-05-06. Review status: criteria provided, single submitter. Criteria: Ambry Variant Classification Scheme 2023. Collection method: clinical testing. Allele origin: germline.
Comment: The p.V126L variant (also known as c.376G>C), located in coding exon 1 of the ALK gene, results from a G to C substitution at nucleotide position 376. The valine at codon 126 is replaced by leucine, an amino acid with highly similar properties. This amino acid position is conserved. In addition, the in silico prediction for this alteration is inconclusive. Based on the available evidence, the clinical significance of this variant remains unclear.

Labcorp Genetics (formerly Invitae), Labcorp
Classification: Uncertain significance for Neuroblastoma, susceptibility to, 3. Last evaluated: 2024-03-01. Review status: criteria provided, single submitter. Criteria: Invitae Variant Classification Sherloc (09022015). Collection method: clinical testing. Allele origin: germline.
Comment: This sequence change replaces valine, which is neutral and non-polar, with leucine, which is neutral and non-polar, at codon 126 of the ALK protein (p.Val126Leu). This variant is not present in population databases (gnomAD no frequency). This variant has not been reported in the literature in individuals affected with ALK-related conditions. ClinVar contains an entry for this variant (Variation ID: 1439933). An algorithm developed to predict the effect of missense changes on protein structure and function (PolyPhen-2) suggests that this variant is likely to be disruptive. In summary, the available evidence is currently insufficient to determine the role of this variant in disease. Therefore, it has been classified as a Variant of Uncertain Significance.

Blueprint Genetics
Classification: Uncertain significance. Last evaluated: 2022-03-14. Review status: criteria provided, single submitter. Criteria: ACMG Guidelines, 2015. Collection method: clinical testing. Allele origin: germline.

NM_004304.5(ALK):c.376G>C (p.Val126Leu)

Gene: ALK (ALK receptor tyrosine kinase; minus strand). Cytogenetic location: 2p23.1.
Variant type: single nucleotide variant.
Coding change: c.376G>C on transcript NM_004304.5 (MANE Select); coding-DNA position 376, G replaced by C.
Protein change: p.Val126Leu; replaces valine 126 with leucine.
Molecular consequence: missense variant.
Genome position (GRCh38, 1-based): chr2:29,920,284, C>G on the plus strand (G>C on the coding strand, the complement: ALK is on the minus strand). VCF-style: chr2-29920284-C-G. GRCh37 (hg19) VCF-style: chr2-30143150-C-G.
Other names: c.376G>C (NM_004304.4); short protein forms V126L.
Identifiers: ClinVar variation 1439933 (VCV001439933.10), dbSNP rs753812162, ClinGen allele CA45004764.